The following is an entry in ClinVar:

ClinVar aggregate classification (germline): Uncertain significance (1 of 4 stars; one submission).

Submission:

Labcorp Genetics (formerly Invitae), Labcorp
Classification: Uncertain significance. Last evaluated: 2025-07-16. Review status: criteria provided, single submitter. Criteria: Invitae Variant Classification Sherloc (09022015). Collection method: clinical testing. Allele origin: germline.
Comment: This sequence change replaces glycine, which is neutral and non-polar, with aspartic acid, which is acidic and polar, at codon 280 of the RIPK1 protein (p.Gly280Asp). This variant is not present in population databases (gnomAD no frequency). This variant has not been reported in the literature in individuals affected with RIPK1-related conditions. ClinVar contains an entry for this variant (Variation ID: 1511847). An algorithm developed to predict the effect of missense changes on protein structure and function outputs the following: PolyPhen-2: "Benign". The aspartic acid amino acid residue is found in multiple mammalian species, which suggests that this missense change does not adversely affect protein function. In summary, the available evidence is currently insufficient to determine the role of this variant in disease. Therefore, it has been classified as a Variant of Uncertain Significance.

NM_001354930.2(RIPK1):c.839G>A (p.Gly280Asp)

Gene: RIPK1 (receptor interacting serine/threonine kinase 1; plus strand). Cytogenetic location: 6p25.2.
Variant type: single nucleotide variant.
Coding change: c.839G>A on transcript NM_001354930.2 (MANE Select); coding-DNA position 839, G replaced by A.
Protein change: p.Gly280Asp; replaces glycine 280 with aspartic acid.
Molecular consequence: missense variant.
Genome position (GRCh38, 1-based): chr6:3,089,581, G>A. VCF-style: chr6-3089581-G-A. GRCh37 (hg19) VCF-style: chr6-3089815-G-A.
Other names: c.350G>A, p.Gly117Asp (NM_001317061.3, NM_001354932.2, NM_001354933.2 and 1 more transcripts); c.701G>A, p.Gly234Asp (NM_001354931.2); c.839G>A, p.Gly280Asp (NM_003804.6); short protein forms G234D, G117D, G280D.
Identifiers: ClinVar variation 1511847 (VCV001511847.6), dbSNP rs371950280, ClinGen allele CA362582859.